The following is an entry in ClinVar:

ClinVar aggregate classification (germline): Uncertain significance (1 of 4 stars; one submission).

Allele frequency attached by ClinVar (database versions not stated): TOPMed below 0.00001; ExAC 0.00001; gnomAD 0.00001; gnomAD exomes 0.00001.
gnomAD v4.1: 11 of 1,613,878 alleles (0.00068%); highest among the groups gnomAD compares: Non-Finnish European, 0.00093%; no homozygotes.

Submission:

Labcorp Genetics (formerly Invitae), Labcorp
Classification: Uncertain significance. Last evaluated: 2023-08-10. Review status: criteria provided, single submitter. Criteria: Invitae Variant Classification Sherloc (09022015). Collection method: clinical testing. Allele origin: germline.
Comment: This sequence change replaces aspartic acid, which is acidic and polar, with glycine, which is neutral and non-polar, at codon 2434 of the FAT1 protein (p.Asp2434Gly). This variant is present in population databases (rs766486054, gnomAD 0.0009%). This variant has not been reported in the literature in individuals affected with FAT1-related conditions. Advanced modeling of protein sequence and biophysical properties (such as structural, functional, and spatial information, amino acid conservation, physicochemical variation, residue mobility, and thermodynamic stability) performed at Invitae indicates that this missense variant is not expected to disrupt FAT1 protein function. In summary, the available evidence is currently insufficient to determine the role of this variant in disease. Therefore, it has been classified as a Variant of Uncertain Significance.

NM_005245.4(FAT1):c.7301A>G (p.Asp2434Gly)

Gene: FAT1 (FAT atypical cadherin 1; minus strand). Cytogenetic location: 4q35.2.
Variant type: single nucleotide variant.
Coding change: c.7301A>G on transcript NM_005245.4 (MANE Select); coding-DNA position 7301, A replaced by G.
Protein change: p.Asp2434Gly; replaces aspartic acid 2434 with glycine.
Molecular consequence: missense variant.
Genome position (GRCh38, 1-based): chr4:186,619,285, T>C on the plus strand (A>G on the coding strand, the complement: FAT1 is on the minus strand). VCF-style: chr4-186619285-T-C. GRCh37 (hg19) VCF-style: chr4-187540439-T-C.
Other names: short protein forms D2434G.
Identifiers: ClinVar variation 2990680 (VCV002990680.3), dbSNP rs766486054, ClinGen allele CA3166077.